The following is an entry in ClinVar:

ClinVar aggregate classification (germline): Pathogenic (1 of 4 stars; one submission).

Conditions:
GLUT1 deficiency syndrome 1, autosomal recessive. Identifiers: MedGen C3149117.

Submission:

Labcorp Genetics (formerly Invitae), Labcorp
Classification: Pathogenic for GLUT1 deficiency syndrome 1, autosomal recessive. Last evaluated: 2019-08-20. Review status: criteria provided, single submitter. Criteria: Invitae Variant Classification Sherloc (09022015). Collection method: clinical testing. Allele origin: germline.
Comment: For these reasons, this variant has been classified as Pathogenic. Donor and acceptor splice site variants typically lead to a loss of protein function (PMID: 16199547), and loss-of-function variants in SLC2A1 are known to be pathogenic (PMID: 21832227, 26193382). Algorithms developed to predict the effect of sequence changes on RNA splicing suggest that this variant may disrupt the consensus splice site, but this prediction has not been confirmed by published transcriptional studies. This variant has been observed in an individual affected with glucose transporter deficiency (PMID: 25381171). The frequency data for this variant in the population databases is considered unreliable, as metrics indicate insufficient coverage at this position in the ExAC database. This sequence change affects a donor splice site in intron 1 of the SLC2A1 gene. It is expected to disrupt RNA splicing and likely results in an absent or disrupted protein product.

Literature cited by the submitters: PubMed 16199547; PubMed 21832227; PubMed 26193382; PubMed 25381171.

NM_006516.4(SLC2A1):c.18+2T>G

Gene: SLC2A1 (solute carrier family 2 member 1; minus strand). Cytogenetic location: 1p34.2.
Variant type: single nucleotide variant.
Coding change: c.18+2T>G on transcript NM_006516.4 (MANE Select); the canonical splice donor site of the intron after coding-DNA position 18, T replaced by G.
Molecular consequence: splice donor variant.
Genome position (GRCh38, 1-based): chr1:42,958,632, A>C on the plus strand (T>G on the coding strand, the complement: SLC2A1 is on the minus strand). VCF-style: chr1-42958632-A-C. GRCh37 (hg19) VCF-style: chr1-43424303-A-C.
Identifiers: ClinVar variation 961319 (VCV000961319.10), dbSNP rs1643807832, ClinGen allele CA339965856.
Genomic context (GRCh38, chr1:42,958,632, plus strand): 5'-TAAGGCGGGCAGGAGTCTGCGCCTTTGTTCCTGGCGGGAGGGCCCGCGGGCGCGCGACTC[A>C]CCTTGCTGCTGGGCTCCATGGCAGCGCTGCGCTGGTGGCTCTGGCTGCGCCGGGTACGCG-3'